The following is an entry in ClinVar:

ClinVar aggregate classification (germline): Benign/Likely benign. Review status: criteria provided, multiple submitters, no conflicts (2 of 4 stars). 3 submissions from 3 submitters: Benign (1); Likely benign (1). 1 of the submissions does not count toward it. Last evaluated 2026-01-23.

Conditions:
PPA2-related disorder. Also called: PPA2-related disorders; PPA2-related condition.

Submissions (3):

Labcorp Genetics (formerly Invitae), Labcorp
Classification: Benign. Last evaluated: 2026-01-23. Review status: criteria provided, single submitter. Criteria: Invitae Variant Classification Sherloc (09022015). Collection method: clinical testing. Allele origin: germline.

Blueprint Genetics
Classification: Likely benign. Last evaluated: 2022-09-09. Review status: criteria provided, single submitter. Criteria: ACMG Guidelines, 2015. Collection method: clinical testing. Allele origin: germline.

PreventionGenetics, part of Exact Sciences
Classification: Likely benign for PPA2-related condition. Last evaluated: 2019-07-13. Review status: no assertion criteria provided. Collection method: clinical testing. Allele origin: germline. Not counted in ClinVar's aggregate classification.
Comment: This variant is classified as likely benign based on ACMG/AMP sequence variant interpretation guidelines (Richards et al. 2015 PMID: 25741868, with internal and published modifications).

NM_176869.3(PPA2):c.442-7del

Gene: PPA2 (inorganic pyrophosphatase 2; minus strand). Cytogenetic location: 4q24.
Variant type: Deletion.
Coding change: c.442-7del on transcript NM_176869.3 (MANE Select); 7 bases into the intron before coding-DNA position 442, one base deleted (A; older notation c.442-7delA).
Molecular consequence: intron variant.
Genome position (GRCh38, 1-based): chr4:105,438,043, T deleted on the plus strand (A on the coding strand, the reverse complement: PPA2 is on the minus strand); the first of 10 consecutive T bases (chr4:105,438,043-105,438,052); deleting any one gives the same sequence. VCF-style (leftmost placement, unchanged base first): chr4-105438042-AT-A. GRCh37 (hg19) VCF-style: chr4-106359199-AT-A.
Other names: c.157+35851del (NM_176867.3); c.223-13721del (NM_176866.2); c.441+8340del (NM_006903.4); c.442-7delA (NM_176869.2).
Identifiers: ClinVar variation 1601803 (VCV001601803.11), dbSNP rs753176486, ClinGen allele CA3032526.